The following is an entry in ClinVar:

NM_014363.6(SACS):c.12866C>A (p.Ser4289Tyr)

Gene: SACS (sacsin molecular chaperone; minus strand). Cytogenetic location: 13q12.12.
Variant type: single nucleotide variant.
Coding change: c.12866C>A on transcript NM_014363.6 (MANE Select); coding-DNA position 12866, C replaced by A.
Protein change: p.Ser4289Tyr; replaces serine 4289 with tyrosine.
Molecular consequence: missense variant.
Genome position (GRCh38, 1-based): chr13:23,331,010, G>T on the plus strand (C>A on the coding strand, the complement: SACS is on the minus strand). VCF-style: chr13-23331010-G-T. GRCh37 (hg19) VCF-style: chr13-23905149-G-T.
Other names: c.12425C>A, p.Ser4142Tyr (NM_001278055.2); short protein forms S4142Y, S4289Y.
Identifiers: ClinVar variation 2195125 (VCV002195125.3), dbSNP rs749143154, ClinGen allele CA387506741.

ClinVar aggregate classification (germline): Uncertain significance (1 of 4 stars; one submission).

Conditions:
Spastic paraplegia. Identifiers: MedGen C0037772, HP:0001258.

Allele frequency attached by ClinVar (database versions not stated): TOPMed 0.00001.
gnomAD v4.1: 3 of 1,614,118 alleles (0.00019%); highest among the groups gnomAD compares: African/African-American, 0.0027%; no homozygotes.

Submission:

Labcorp Genetics (formerly Invitae), Labcorp
Classification: Uncertain significance for Spastic paraplegia. Last evaluated: 2022-07-24. Review status: criteria provided, single submitter. Criteria: Invitae Variant Classification Sherloc (09022015). Collection method: clinical testing. Allele origin: germline.
Comment: In summary, the available evidence is currently insufficient to determine the role of this variant in disease. Therefore, it has been classified as a Variant of Uncertain Significance. Advanced modeling of protein sequence and biophysical properties (such as structural, functional, and spatial information, amino acid conservation, physicochemical variation, residue mobility, and thermodynamic stability) performed at Invitae indicates that this missense variant is not expected to disrupt SACS protein function. This variant has not been reported in the literature in individuals affected with SACS-related conditions. This variant is not present in population databases (gnomAD no frequency). This sequence change replaces serine, which is neutral and polar, with tyrosine, which is neutral and polar, at codon 4289 of the SACS protein (p.Ser4289Tyr).